The following is an entry in ClinVar:

NM_005068.3(SIM1):c.514_516delinsCTTG (p.Asn172fs)

Gene: SIM1 (SIM bHLH transcription factor 1; minus strand). Cytogenetic location: 6q16.3.
Variant type: Indel.
Coding change: c.514_516delinsCTTG on transcript NM_005068.3 (MANE Select); coding-DNA positions 514 to 516, AAC replaced by CTTG.
Protein change: p.Asn172fs; shifts the reading frame from asparagine 172.
Molecular consequence: frameshift variant.
Genome position (GRCh38, 1-based): chr6:100,449,390-100,449,392, GTT replaced by CAAG on the plus strand (AAC replaced by CTTG on the coding strand, the reverse complement: SIM1 is on the minus strand). VCF-style: chr6-100449390-GTT-CAAG. GRCh37 (hg19) VCF-style: chr6-100897266-GTT-CAAG.
Other names: c.514_516delinsCTTG, p.Asn172fs (NM_001374769.1); short protein forms N172fs.
Identifiers: ClinVar variation 5001407 (VCV005001407.1).

ClinVar aggregate classification (germline): Likely pathogenic (1 of 4 stars; one submission).

Conditions:
SIM1-related disorder. Also called: SIM1-related disorders; SIM1-related condition.

Submission:

PreventionGenetics, part of Exact Sciences
Classification: Likely pathogenic for SIM1-related condition. Last evaluated: 2026-02-24. Review status: criteria provided, single submitter. Criteria: ACMG Guidelines, 2015. Collection method: clinical testing. Allele origin: germline.
Comment: The SIM1 c.514_516delinsCTTG variant is predicted to result in a frameshift and premature protein termination (p.Asn172Leufs*91). To our knowledge, this variant has not been reported in the literature or in a large population database (gnomAD), indicating this variant is rare. Frameshift variants in SIM1 are expected to be pathogenic. This variant is interpreted as likely pathogenic.